The following is an entry in ClinVar:

ClinVar aggregate classification (germline): Uncertain significance. Review status: criteria provided, multiple submitters, no conflicts (2 of 4 stars). 2 submissions from 2 submitters: Uncertain significance (2). Last evaluated 2025-10-20.

Conditions:
Inborn genetic diseases. Identifiers: MedGen C0950123, MeSH D030342.

Allele frequency attached by ClinVar (database versions not stated): TOPMed 0.00001; gnomAD 0.00001.
gnomAD v4.1: 13 of 1,614,108 alleles (0.00081%); highest among the groups gnomAD compares: Admixed American, 0.0067%; no homozygotes.

Submissions (2):

Mayo Clinic Laboratories, Mayo Clinic
Classification: Uncertain significance. Last evaluated: 2025-10-20. Review status: criteria provided, single submitter. Criteria: ACMG Guidelines, 2015. Collection method: clinical testing. Allele origin: germline. Observed: 1 variant allele.
Comment: BP4, PM2_supporting

Ambry Genetics
Classification: Uncertain significance for Inborn genetic diseases. Last evaluated: 2023-08-28. Review status: criteria provided, single submitter. Criteria: Ambry Variant Classification Scheme 2023. Collection method: clinical testing. Allele origin: germline.

NM_003906.5(MCM3AP):c.5234T>C (p.Ile1745Thr)

Genes: MCM3AP (minichromosome maintenance complex component 3 associated protein; minus strand), MCM3AP-AS1 (MCM3AP antisense RNA 1; plus strand). Cytogenetic location: 21q22.3.
Variant type: single nucleotide variant.
Coding change: c.5234T>C on transcript NM_003906.5 (MANE Select); coding-DNA position 5234, T replaced by C.
Protein change: p.Ile1745Thr; replaces isoleucine 1745 with threonine.
Molecular consequence: missense variant.
Genome position (GRCh38, 1-based): chr21:46,243,527, A>G on the plus strand (T>C on the coding strand, the complement: MCM3AP is on the minus strand). VCF-style: chr21-46243527-A-G. GRCh37 (hg19) VCF-style: chr21-47663441-A-G.
Other names: p.Ile1745Thr; short protein forms I1745T.
Identifiers: ClinVar variation 2596287 (VCV002596287.3), dbSNP rs745337329, ClinGen allele CA10075924.
Genomic context (GRCh38, chr21:46,243,527, plus strand): 5'-GATGTAACAGGAAGCCGGGGGGGCGTCCAGTCTCTCAGCTTGTGGTTGATACACAAGGCG[A>G]TAAGATCATCCCATGGGATCTCCATGACCGAGGGGCCTGCCCCATGGACTGGGGAGGGAC-3'
Protein context (NP_003897.2, residues 1735-1755): SVMEIPWDDL[Ile1745Thr]ALCINHKLRD